The following is an entry in ClinVar:

NM_138713.4(NFAT5):c.1996T>C (p.Ser666Pro)

Gene: NFAT5 (nuclear factor of activated T cells 5; plus strand). Cytogenetic location: 16q22.1.
Variant type: single nucleotide variant.
Coding change: c.1996T>C on transcript NM_138713.4 (MANE Select); coding-DNA position 1996, T replaced by C.
Protein change: p.Ser666Pro; replaces serine 666 with proline.
Molecular consequence: missense variant.
Genome position (GRCh38, 1-based): chr16:69,691,821, T>C. VCF-style: chr16-69691821-T-C. GRCh37 (hg19) VCF-style: chr16-69725724-T-C.
Other names: c.1993T>C, p.Ser665Pro (NM_001113178.3); c.1321T>C, p.Ser441Pro (NM_001367709.1); c.1942T>C, p.Ser648Pro (NM_006599.4); c.1714T>C, p.Ser572Pro (NM_138714.4, NM_173214.3, NM_173215.3); short protein forms S666P, S441P, S572P, S648P, S665P.
Identifiers: ClinVar variation 2753608 (VCV002753608.3), dbSNP rs1182167500, ClinGen allele CA396506996.

ClinVar aggregate classification (germline): Uncertain significance (1 of 4 stars; one submission).

Conditions:
Immunodeficiency. Identifiers: MedGen C0021051, MONDO:0021094, HP:0002721.

Allele frequency attached by ClinVar (database versions not stated): gnomAD exomes 0.00001; gnomAD 0.00001; TOPMed below 0.00001.
gnomAD v4.1: 4 of 1,614,056 alleles (0.00025%); highest among the groups gnomAD compares: Non-Finnish European, 0.00034%; no homozygotes.

Submission:

Labcorp Genetics (formerly Invitae), Labcorp
Classification: Uncertain significance for Immunodeficiency. Last evaluated: 2025-02-11. Review status: criteria provided, single submitter. Criteria: Invitae Variant Classification Sherloc (09022015). Collection method: clinical testing. Allele origin: germline.
Comment: This sequence change replaces serine, which is neutral and polar, with proline, which is neutral and non-polar, at codon 572 of the NFAT5 protein (p.Ser572Pro). This variant is present in population databases (no rsID available, gnomAD 0.002%). This variant has not been reported in the literature in individuals affected with NFAT5-related conditions. ClinVar contains an entry for this variant (Variation ID: 2753608). An algorithm developed to predict the effect of missense changes on protein structure and function (PolyPhen-2) suggests that this variant is likely to be tolerated. In summary, the available evidence is currently insufficient to determine the role of this variant in disease. Therefore, it has been classified as a Variant of Uncertain Significance.